The following is an entry in ClinVar:

NM_001001548.3(CD36):c.660_669del (p.Asn220fs)

Gene: CD36 (CD36 molecule (CD36 blood group); plus strand). Cytogenetic location: 7q21.11.
Variant type: Deletion.
Coding change: c.660_669del on transcript NM_001001548.3 (MANE Select); coding-DNA positions 660 to 669, 10 bases deleted (CATAAGTAAA; older notation c.660_669delCATAAGTAAA).
Protein change: p.Asn220fs; shifts the reading frame from asparagine 220.
Molecular consequence: frameshift variant. On other transcripts: non-coding transcript variant (1).
Genome position (GRCh38, 1-based): chr7:80,664,456-80,664,465, CATAAGTAAA deleted; deleting any 10 consecutive bases within chr7:80,664,454-80,664,465 gives the same sequence; the c. name uses the placement nearest the transcript's 3' end. VCF-style (leftmost placement, unchanged base first): chr7-80664453-TAACATAAGTA-T. GRCh37 (hg19) VCF-style: chr7-80293769-TAACATAAGTA-T.
Other names: c.660_669del, p.Asn220fs (NM_000072.3, NM_001001547.3, NM_001127443.2 and 6 more transcripts); c.480_489del, p.Asn160fs (NM_001289909.1); c.432_441del, p.Asn144fs (NM_001289911.2); c.558_567del, p.Asn186fs (NM_001371079.1); c.195_204del, p.Asn65fs (NM_001371080.1, NM_001371081.1); short protein forms N144fs, N160fs, N186fs, N220fs, N65fs.
Identifiers: ClinVar variation 1299075 (VCV001299075.42), dbSNP rs778808650, ClinGen allele CA4315306.

ClinVar aggregate classification (germline): Conflicting classifications of pathogenicity. Review status: criteria provided, conflicting classifications (1 of 4 stars). 4 submissions from 4 submitters: Pathogenic (2); Likely pathogenic (1); Uncertain significance (1). Last evaluated 2026-08-01.

Conditions:
Platelet-type bleeding disorder 10. Also called: CD36 DEFICIENCY. Identifiers: MedGen C1842090, MONDO:0012031, OMIM 608404.

Submissions (4):

CeGaT Center for Human Genetics Tuebingen
Classification: Pathogenic. Last evaluated: 2026-08-01. Review status: criteria provided, single submitter. Criteria: CeGaT Center For Human Genetics Tuebingen Variant Classification Criteria Version 2. Collection method: clinical testing. Allele origin: germline. Affected: yes. Observed: 2 variant alleles.
Comment: CD36: PVS1, PM2

Revvity Omics, Revvity
Classification: Likely pathogenic for Platelet-type bleeding disorder 10. Last evaluated: 2024-04-24. Review status: criteria provided, single submitter. Criteria: ACMG Guidelines, 2015. Collection method: clinical testing. Allele origin: germline.

3billion
Classification: Pathogenic for Platelet-type bleeding disorder 10. Last evaluated: 2024-01-03. Review status: criteria provided, single submitter. Criteria: ACMG Guidelines, 2015. Collection method: clinical testing. Allele origin: germline. Affected: yes.
Comment: The variant is observed at an extremely low frequency in the gnomAD v2.1.1 dataset (total allele frequency: 0.012%). Predicted Consequence/Location: Frameshift: predicted to result in a loss or disruption of normal protein function through nonsense-mediated decay (NMD) or protein truncation. Multiple pathogenic variants are reported downstream of the variant. The variant has been reported to be associated with CD36 related disorder (ClinVar ID: VCV000810109 /PMID: 32346805). Therefore, this variant is classified as Pathogenic according to the recommendation of ACMG/AMP guideline.

GeneDx
Classification: Uncertain significance. Last evaluated: 2022-03-21. Review status: criteria provided, single submitter. Criteria: GeneDx Variant Classification Process June 2021. Collection method: clinical testing. Allele origin: germline. Affected: yes.
Comment: Frameshift variant predicted to result in protein truncation or nonsense mediated decay in a gene for which loss-of-function is a known mechanism of disease; Identified in the heterozygous state (reported as 658_667del10 due to alternate nomenclature) without a second variant identified in an individual with negative platelet CD36 expression, but no specific clinical information or segregation studies were provided (Flesch et al., 2021); This variant is associated with the following publications: (PMID: 33822386)